The following is an entry in ClinVar:

ClinVar aggregate classification (germline): Uncertain significance (1 of 4 stars; one submission).

Allele frequency attached by ClinVar (database versions not stated): gnomAD 0.00001; TOPMed 0.00001; ExAC 0.00002; 1000 Genomes Project 30x 0.00016; 1000 Genomes Project 0.00020.

Submission:

Labcorp Genetics (formerly Invitae), Labcorp
Classification: Uncertain significance. Last evaluated: 2022-08-12. Review status: criteria provided, single submitter. Criteria: Invitae Variant Classification Sherloc (09022015). Collection method: clinical testing. Allele origin: germline.
Comment: In summary, the available evidence is currently insufficient to determine the role of this variant in disease. Therefore, it has been classified as a Variant of Uncertain Significance. Algorithms developed to predict the effect of missense changes on protein structure and function (SIFT, PolyPhen-2, Align-GVGD) all suggest that this variant is likely to be tolerated. This variant is present in population databases (rs201186039, gnomAD 0.01%). This variant has not been reported in the literature in individuals affected with SPRY4-related conditions. This sequence change replaces arginine, which is basic and polar, with cysteine, which is neutral and slightly polar, at codon 153 of the SPRY4 protein (p.Arg153Cys).

NM_001127496.3(SPRY4):c.388C>T (p.Arg130Cys)

Gene: SPRY4 (sprouty RTK signaling antagonist 4; minus strand). Cytogenetic location: 5q31.3.
Variant type: single nucleotide variant.
Coding change: c.388C>T on transcript NM_001127496.3 (MANE Select); coding-DNA position 388, C replaced by T.
Protein change: p.Arg130Cys; replaces arginine 130 with cysteine.
Molecular consequence: missense variant.
Genome position (GRCh38, 1-based): chr5:142,314,721, G>A on the plus strand (C>T on the coding strand, the complement: SPRY4 is on the minus strand). VCF-style: chr5-142314721-G-A. GRCh37 (hg19) VCF-style: chr5-141694286-G-A.
Other names: c.388C>T, p.Arg130Cys (NM_001293289.3, NM_001293290.3); c.457C>T, p.Arg153Cys (NM_030964.5); short protein forms R130C, R153C.
Identifiers: ClinVar variation 2419869 (VCV002419869.6), dbSNP rs201186039, ClinGen allele CA3485561.